The following is an entry in ClinVar:

ClinVar aggregate classification (germline): Pathogenic (1 of 4 stars; one submission).

Conditions:
Hereditary cancer-predisposing syndrome. Also called: Neoplastic Syndromes, Hereditary; Tumor predisposition; Hereditary Cancer Syndrome; Hereditary neoplastic syndrome. Identifiers: Orphanet 140162, MedGen C0027672, MeSH D009386, MONDO:0015356.

Submission:

Ambry Genetics
Classification: Pathogenic for Hereditary cancer-predisposing syndrome. Last evaluated: 2016-07-28. Review status: criteria provided, single submitter. Criteria: Ambry Variant Classification Scheme 2023. Collection method: clinical testing. Allele origin: germline.
Comment: The p.Y929* pathogenic mutation (also known as c.2787T>G), located in coding exon 8 of the PALB2 gene, results from a T to G substitution at nucleotide position 2787. This changes the amino acid from a tyrosine to a stop codon within coding exon 8. This alteration is expected to result in loss of function by premature protein truncation or nonsense-mediated mRNA decay. As such, this alteration is interpreted as a disease-causing mutation.

NM_024675.4(PALB2):c.2787T>G (p.Tyr929Ter)

Gene: PALB2 (partner and localizer of BRCA2; minus strand). Cytogenetic location: 16p12.2.
Variant type: single nucleotide variant.
Coding change: c.2787T>G on transcript NM_024675.4 (MANE Select); coding-DNA position 2787, T replaced by G.
Protein change: p.Tyr929Ter; replaces tyrosine 929 with a stop codon.
Molecular consequence: nonsense.
Genome position (GRCh38, 1-based): chr16:23,624,056, A>C on the plus strand (T>G on the coding strand, the complement: PALB2 is on the minus strand). VCF-style: chr16-23624056-A-C. GRCh37 (hg19) VCF-style: chr16-23635377-A-C.
Other names: short protein forms Y929*.
Identifiers: ClinVar variation 484195 (VCV000484195.5), dbSNP rs876660669, ClinGen allele CA395145066.
Genomic context (GRCh38, chr16:23,624,056, plus strand): 5'-GGGAATTACATACCTGATCTCTCTGATTTCCAAATTTCCCAAAGCTACACACACGAGATT[A>C]TACACATCAGGCACTGGAACTATCTGTAATACTGGAACCTAAATAAAACAAAGCAGCCAA-3'